The following is an entry in ClinVar:

ClinVar aggregate classification (germline): Uncertain significance (1 of 4 stars; one submission).

Conditions:
Cardiomyopathy (CMYO). Also called: Cardiomyopathies. Identifiers: Orphanet 167848, MedGen C0878544, MONDO:0004994, HP:0001638. Inheritance: Various modes of inheritance.

Allele frequency attached by ClinVar (database versions not stated): TOPMed below 0.00001.

Submission:

All of Us Research Program, National Institutes of Health
Classification: Uncertain significance for Cardiomyopathy. Last evaluated: 2023-11-20. Review status: criteria provided, single submitter. Criteria: ACMG Guidelines, 2015. Collection method: clinical testing. Allele origin: germline. Inheritance: Autosomal dominant inheritance. Observed: 1 variant allele, 1 heterozygote.
Comment: This variant causes a T to A nucleotide substitution at the -9 position of intron 9 of the TNNT2 gene. To our knowledge, functional studies have not been reported for this variant. This variant has not been reported in individuals affected with TNNT2-related disorders in the literature. This variant has not been identified in the general population by the Genome Aggregation Database (gnomAD). The available evidence is insufficient to determine the role of this variant in disease conclusively. Therefore, this variant is classified as a Variant of Uncertain Significance.

This study involves interpretation of variants in research participants for the purpose of population health screening. Participant phenotype was not available at the time of variant classification. Additional details can be found in publication PMID: 35346344, PMCID: PMC8962531

NM_001276345.2(TNNT2):c.412-9T>A

Gene: TNNT2 (troponin T2, cardiac type; minus strand). Cytogenetic location: 1q32.1.
Variant type: single nucleotide variant.
Coding change: c.412-9T>A on transcript NM_001276345.2 (MANE Select); 9 bases into the intron before coding-DNA position 412, T replaced by A.
Molecular consequence: intron variant.
Genome position (GRCh38, 1-based): chr1:201,364,384, A>T on the plus strand (T>A on the coding strand, the complement: TNNT2 is on the minus strand). VCF-style: chr1-201364384-A-T. GRCh37 (hg19) VCF-style: chr1-201333512-A-T.
Other names: c.382-9T>A (NM_001406727.1, NM_001406724.1, NM_001001431.3 and 3 more transcripts); c.367-9T>A (NM_001001432.3, NM_001406728.1); c.379-9T>A (NM_001406725.1); c.292-9T>A (NM_001276346.2); c.412-9T>A (NM_000364.4, NM_001406723.1).
Identifiers: ClinVar variation 3074548 (VCV003074548.1), dbSNP rs1449738352, ClinGen allele CA730123360.